The following is an entry in ClinVar:

ClinVar aggregate classification (germline): Uncertain significance. Review status: criteria provided, multiple submitters, no conflicts (2 of 4 stars). 2 submissions from 2 submitters: Uncertain significance (2). Last evaluated 2024-10-28.

Conditions:
Inborn genetic diseases. Identifiers: MedGen C0950123, MeSH D030342.

Allele frequency attached by ClinVar (database versions not stated): gnomAD 0.00005 and 0.00006; TOPMed 0.00006; gnomAD exomes 0.00017 and 0.00022.

Submissions (2):

Labcorp Genetics (formerly Invitae), Labcorp
Classification: Uncertain significance. Last evaluated: 2024-10-28. Review status: criteria provided, single submitter. Criteria: Invitae Variant Classification Sherloc (09022015). Collection method: clinical testing. Allele origin: germline.
Comment: This sequence change replaces proline, which is neutral and non-polar, with leucine, which is neutral and non-polar, at codon 14 of the LETM1 protein (p.Pro14Leu). The frequency data for this variant in the population databases is considered unreliable, as metrics indicate poor data quality at this position in the gnomAD database. This variant has not been reported in the literature in individuals affected with LETM1-related conditions. ClinVar contains an entry for this variant (Variation ID: 1407788). An algorithm developed to predict the effect of missense changes on protein structure and function (PolyPhen-2) suggests that this variant¬†is likely to be tolerated. In summary, the available evidence is currently insufficient to determine the role of this variant in disease. Therefore, it has been classified as a Variant of Uncertain Significance.

Ambry Genetics
Classification: Uncertain significance for Inborn genetic diseases. Last evaluated: 2024-02-13. Review status: criteria provided, single submitter. Criteria: Ambry Variant Classification Scheme 2023. Collection method: clinical testing. Allele origin: germline.

NM_012318.3(LETM1):c.41C>T (p.Pro14Leu)

Gene: LETM1 (leucine zipper and EF-hand containing transmembrane protein 1; minus strand). Cytogenetic location: 4p16.3.
Variant type: single nucleotide variant.
Coding change: c.41C>T on transcript NM_012318.3 (MANE Select); coding-DNA position 41, C replaced by T.
Protein change: p.Pro14Leu; replaces proline 14 with leucine.
Molecular consequence: missense variant.
Genome position (GRCh38, 1-based): chr4:1,855,910, G>A on the plus strand (C>T on the coding strand, the complement: LETM1 is on the minus strand). VCF-style: chr4-1855910-G-A. GRCh37 (hg19) VCF-style: chr4-1857637-G-A.
Other names: c.41C>T (NM_012318.2); short protein forms P14L.
Identifiers: ClinVar variation 1407788 (VCV001407788.5), dbSNP rs1048202015, ClinGen allele CA91290150.
Genomic context (GRCh38, chr4:1,855,910, plus strand): 5'-TGGGGTGCCCGCCGCTTACCCCGCGGGACGGTGTACCGAGGCGGCGGCGGGAGGCGGGCG[G>A]GCGCCCGGCCGCGGCAGCTCCTCAGTAAGATGGACGCCATGTGCTCGGGCGCGGCGGCCG-3'
Protein context (NP_036450.1, residues 4-24): ILLRSCRGRA[Pro14Leu]ARLPPPPRYT